The following is an entry in ClinVar:

NM_003742.4(ABCB11):c.1646A>T (p.Asp549Val)

Gene: ABCB11 (ATP binding cassette subfamily B member 11; minus strand). Cytogenetic location: 2q31.1.
Variant type: single nucleotide variant.
Coding change: c.1646A>T on transcript NM_003742.4 (MANE Select); coding-DNA position 1646, A replaced by T.
Protein change: p.Asp549Val; replaces aspartic acid 549 with valine.
Molecular consequence: missense variant.
Genome position (GRCh38, 1-based): chr2:168,970,208, T>A on the plus strand (A>T on the coding strand, the complement: ABCB11 is on the minus strand). VCF-style: chr2-168970208-T-A. GRCh37 (hg19) VCF-style: chr2-169826718-T-A.
Other names: short protein forms D549V.
Identifiers: ClinVar variation 4845971 (VCV004845971.1).

ClinVar aggregate classification (germline): Uncertain significance (1 of 4 stars; one submission).

Conditions:
Familial intrahepatic cholestasis. Identifiers: Orphanet 284385, MedGen CN296401, MONDO:0017290.

Submission:

Genomenon, Inc
Classification: Uncertain significance for Familial intrahepatic cholestasis. Last evaluated: 2026-04-14. Review status: criteria provided, single submitter. Criteria: Genomenon Sequence Variant Interpretation Standards - Updated. Collection method: curation. Allele origin: germline. Affected: yes.
Comment: ABCB11 p.Asp549Val (c.1646A>T) is a missense variant that changes the amino acid at residue 549 from Aspartic acid to Valine. This variant has been observed in at least one proband with an ABCB11-related disorder (PMID:20232290). It is absent or not present at a significant frequency in gnomAD. In silico models predict that this variant is possibly or probably damaging. In conclusion, we classify ABCB11 p.Asp549Val (c.1646A>T) as a variant of uncertain significance.

Literature cited by the submitters: PubMed 20232290.